The following is an entry in ClinVar:

NM_012079.6(DGAT1):c.820C>A (p.Arg274=)

Gene: DGAT1 (diacylglycerol O-acyltransferase 1; minus strand). Cytogenetic location: 8q24.3.
Variant type: single nucleotide variant.
Coding change: c.820C>A on transcript NM_012079.6 (MANE Select); coding-DNA position 820, C replaced by A.
Protein change: p.Arg274=; no amino-acid change (arginine 274 retained).
Molecular consequence: synonymous variant.
Genome position (GRCh38, 1-based): chr8:144,317,949, G>T on the plus strand (C>A on the coding strand, the complement: DGAT1 is on the minus strand). VCF-style: chr8-144317949-G-T. GRCh37 (hg19) VCF-style: chr8-145541612-G-T.
Identifiers: ClinVar variation 1051568 (VCV001051568.7), dbSNP rs199537660, ClinGen allele CA4936827.

ClinVar aggregate classification (germline): Conflicting classifications of pathogenicity. Review status: criteria provided, conflicting classifications (1 of 4 stars). 2 submissions from 2 submitters: Uncertain significance (1); Likely benign (1). Last evaluated 2025-11-19.

Allele frequency attached by ClinVar (database versions not stated): ESP Exome Variant Server 0.00031.
gnomAD v4.1: 358 of 1,519,432 alleles (0.024%); highest among the groups gnomAD compares: Non-Finnish European, 0.03%; 1 homozygote.

Submissions (2):

Labcorp Genetics (formerly Invitae), Labcorp
Classification: Likely benign. Last evaluated: 2025-11-19. Review status: criteria provided, single submitter. Criteria: Invitae Variant Classification Sherloc (09022015). Collection method: clinical testing. Allele origin: germline.

GeneDx
Classification: Uncertain significance. Last evaluated: 2020-01-24. Review status: criteria provided, single submitter. Criteria: GeneDx Variant Classification Process June 2021. Collection method: clinical testing. Allele origin: germline. Affected: yes.
Comment: In silico analysis supports that this variant does not alter splicing; Has not been previously published as pathogenic or benign to our knowledge